The following is an entry in ClinVar:

ClinVar aggregate classification (germline): Uncertain significance. Review status: criteria provided, multiple submitters, no conflicts (2 of 4 stars). 2 submissions from 2 submitters: Uncertain significance (2). Last evaluated 2026-01-26.

Conditions:
Inborn genetic diseases. Identifiers: MedGen C0950123, MeSH D030342.

Allele frequency attached by ClinVar (database versions not stated): gnomAD exomes below 0.00001.
gnomAD v4.1: 2 of 1,613,814 alleles (0.00012%); highest among the groups gnomAD compares: Admixed American, 0.0033%; no homozygotes.

Submissions (2):

Ambry Genetics
Classification: Uncertain significance for Inborn genetic diseases. Last evaluated: 2026-01-26. Review status: criteria provided, single submitter. Criteria: Ambry Variant Classification Scheme 2023. Collection method: clinical testing. Allele origin: germline.

GeneDx
Classification: Uncertain significance. Last evaluated: 2022-01-27. Review status: criteria provided, single submitter. Criteria: GeneDx Variant Classification Process June 2021. Collection method: clinical testing. Allele origin: germline. Affected: yes.
Comment: Not observed at significant frequency in large population cohorts (gnomAD); In silico analysis supports that this missense variant does not alter protein structure/function; Has not been previously published as pathogenic or benign to our knowledge

NM_032119.4(ADGRV1):c.5638G>A (p.Asp1880Asn)

Gene: ADGRV1 (adhesion G protein-coupled receptor V1; plus strand). Cytogenetic location: 5q14.3.
Variant type: single nucleotide variant.
Coding change: c.5638G>A on transcript NM_032119.4 (MANE Select); coding-DNA position 5638, G replaced by A.
Protein change: p.Asp1880Asn; replaces aspartic acid 1880 with asparagine.
Molecular consequence: missense variant. On other transcripts: non-coding transcript variant (1).
Genome position (GRCh38, 1-based): chr5:90,681,428, G>A. VCF-style: chr5-90681428-G-A. GRCh37 (hg19) VCF-style: chr5-89977245-G-A.
Other names: short protein forms D1880N.
Identifiers: ClinVar variation 1699850 (VCV001699850.3), dbSNP rs1229998374, ClinGen allele CA360412574.